The following is an entry in ClinVar:

NM_000218.3(KCNQ1):c.974G>A (p.Gly325Glu)

Gene: KCNQ1 (potassium voltage-gated channel subfamily Q member 1; plus strand). Cytogenetic location: 11p15.5.
Variant type: single nucleotide variant.
Coding change: c.974G>A on transcript NM_000218.3 (MANE Select); coding-DNA position 974, G replaced by A.
Protein change: p.Gly325Glu; replaces glycine 325 with glutamic acid.
Molecular consequence: missense variant.
Genome position (GRCh38, 1-based): chr11:2,583,487, G>A. VCF-style: chr11-2583487-G-A. GRCh37 (hg19) VCF-style: chr11-2604717-G-A.
Other names: p.G325E:GGG>GAG; p.Gly325Glu; c.974G>A, p.Gly325Glu (NM_001406836.1); c.704G>A, p.Gly235Glu (NM_001406837.1); c.530G>A, p.Gly177Glu (NM_001406838.1); c.593G>A, p.Gly198Glu (NM_181798.2); short protein forms G198E, G325E, G177E, G235E.
Identifiers: ClinVar variation 200831 (VCV000200831.8), dbSNP rs794728519, ClinGen allele CA008978.

ClinVar aggregate classification (germline): Pathogenic/Likely pathogenic. Review status: criteria provided, multiple submitters, no conflicts (2 of 4 stars). 3 submissions from 3 submitters: Pathogenic (1); Likely pathogenic (2). Last evaluated 2023-05-11.

Conditions:
Cardiovascular phenotype. Identifiers: MedGen CN230736.

Submissions (3):

Mayo Clinic Laboratories, Mayo Clinic
Classification: Likely pathogenic. Last evaluated: 2023-05-11. Review status: criteria provided, single submitter. Criteria: ACMG Guidelines, 2015. Collection method: clinical testing. Allele origin: germline. Observed: 2 variant alleles.
Comment: PP3, PM2, PM5, PS4_supporting

Molecular Diagnostic Laboratory for Inherited Cardiovascular Disease, Montreal Heart Institute
Classification: Pathogenic for Cardiovascular phenotype. Last evaluated: 2022-02-16. Review status: criteria provided, single submitter. Criteria: ACMG Guidelines, 2015. Collection method: clinical testing. Allele origin: germline. Affected: yes.

GeneDx
Classification: Likely pathogenic. Last evaluated: 2019-08-14. Review status: criteria provided, single submitter. Criteria: GeneDx Variant Classification Process June 2021. Collection method: clinical testing. Allele origin: germline. Affected: yes.
Comment: Reported in a pediatric patient with LQTS in the published literature (Aziz et al., 2011); In silico analysis, which includes protein predictors and evolutionary conservation, supports a deleterious effect; Not observed in large population cohorts (Lek et al., 2016); This variant is associated with the following publications: (PMID: 21956039)

Literature cited by the submitters: PubMed 21956039 (cited by Mayo Clinic Laboratories, Mayo Clinic).